The following is an entry in ClinVar:

ClinVar aggregate classification (germline): Uncertain significance (1 of 4 stars; one submission).

Conditions:
Epidermolysis bullosa simplex with nail dystrophy (EBS5D). Identifiers: MedGen C4225309, MONDO:0014661, OMIM 616487.
Epidermolysis bullosa simplex, Ogna type (EBS5A). Also called: EPIDERMOLYSIS BULLOSA SIMPLEX 5A, OGNA TYPE; Pidermolysis bullosa simplex 5A, Ogna type. Identifiers: Orphanet 79401, MedGen C0432317, MONDO:0007555, OMIM 131950.
Autosomal recessive limb-girdle muscular dystrophy type 2Q (LGMDR17). Also called: MUSCULAR DYSTROPHY, LIMB-GIRDLE, AUTOSOMAL RECESSIVE 17. Identifiers: Orphanet 254361, MedGen C3150989, MONDO:0013390, OMIM 613723.
Epidermolysis bullosa simplex 5B, with muscular dystrophy (EBS5B). Also called: EPIDERMOLYSIS BULLOSA SIMPLEX AND LIMB-GIRDLE MUSCULAR DYSTROPHY; Epidermolysis bullosa simplex with muscular dystrophy. Identifiers: Orphanet 257, MedGen C2931072, MONDO:0009181, OMIM 226670.
Epidermolysis bullosa simplex 5C, with pyloric atresia (EBS5C). Also called: PLEC1-Related Epidermolysis Bullosa with Pyloric Atresia; PLEC-Related Epidermolysis Bullosa with Pyloric Atresia; Epidermolysis bullosa simplex with pyloric atresia. Identifiers: Orphanet 158684, MedGen C2677349, MONDO:0012807, OMIM 612138.

Submission:

Labcorp Genetics (formerly Invitae), Labcorp
Classification: Uncertain significance for Autosomal recessive limb-girdle muscular dystrophy type 2Q; Epidermolysis bullosa simplex, Ogna type; Epidermolysis bullosa simplex with nail dystrophy; Epidermolysis bullosa simplex 5C, with pyloric atresia; Epidermolysis bullosa simplex 5B, with muscular dystrophy. Last evaluated: 2024-11-27. Review status: criteria provided, single submitter. Criteria: Invitae Variant Classification Sherloc (09022015). Collection method: clinical testing. Allele origin: germline.
Comment: This sequence change replaces glutamic acid, which is acidic and polar, with alanine, which is neutral and non-polar, at codon 1284 of the PLEC protein (p.Glu1284Ala). This variant is not present in population databases (gnomAD no frequency). This variant has not been reported in the literature in individuals affected with PLEC-related conditions. Invitae Evidence Modeling of protein sequence and biophysical properties (such as structural, functional, and spatial information, amino acid conservation, physicochemical variation, residue mobility, and thermodynamic stability) indicates that this missense variant is not expected to disrupt PLEC protein function with a negative predictive value of 80%. In summary, the available evidence is currently insufficient to determine the role of this variant in disease. Therefore, it has been classified as a Variant of Uncertain Significance.

NM_201384.3(PLEC):c.3770A>C (p.Glu1257Ala)

Gene: PLEC (plectin; minus strand). Cytogenetic location: 8q24.3.
Variant type: single nucleotide variant.
Coding change: c.3770A>C on transcript NM_201384.3 (MANE Select); coding-DNA position 3770, A replaced by C.
Protein change: p.Glu1257Ala; replaces glutamic acid 1257 with alanine.
Molecular consequence: missense variant.
Genome position (GRCh38, 1-based): chr8:143,927,322, T>G on the plus strand (A>C on the coding strand, the complement: PLEC is on the minus strand). VCF-style: chr8-143927322-T-G. GRCh37 (hg19) VCF-style: chr8-145001490-T-G.
Other names: c.4181A>C, p.Glu1394Ala (NM_201380.4); c.3674A>C, p.Glu1225Ala (NM_201381.3); c.3770A>C, p.Glu1257Ala (NM_201382.4); c.3782A>C, p.Glu1261Ala (NM_201383.3); c.3851A>C, p.Glu1284Ala (NM_000445.5, NM_001410941.1); c.3728A>C, p.Glu1243Ala (NM_201378.4); c.3704A>C, p.Glu1235Ala (NM_201379.3); short protein forms E1225A, E1235A, E1243A, E1257A, E1261A, E1284A, E1394A.
Identifiers: ClinVar variation 3758991 (VCV003758991.2).
Genomic context (GRCh38, chr8:143,927,322, plus strand): 5'-TTGATGTACTGTTTCGCAAACCTCTGGCACTCCTCGACCTTCTCGCCGTGGCGCTCGATC[T>G]CCTCCAGCAGGGCCTGGGTGATGGTGTGGTCAGAGCCGTGGCCGCAGGGCACGCCCAGCC-3'
Protein context (NP_958786.1, residues 1247-1267): QLRQEQALLE[Glu1257Ala]IERHGEKVEE